The following is an entry in ClinVar:

ClinVar aggregate classification (germline): Likely benign. Review status: criteria provided, single submitter (1 of 4 stars). 2 submissions from 2 submitters: Likely benign (1). 1 of the submissions does not count toward it. Last evaluated 2024-08-23.

Conditions:
FLG-related disorder. Also called: FLG-related disorders; FLG-related condition.

Allele frequency attached by ClinVar (database versions not stated): gnomAD exomes 0.00008; ExAC 0.00029; 1000 Genomes Project 0.00060; 1000 Genomes Project 30x 0.00078; gnomAD 0.00088; TOPMed 0.00107; ESP Exome Variant Server 0.00154.
gnomAD v4.1: 249 of 1,613,836 alleles (0.015%); highest among the groups gnomAD compares: African/African-American, 0.3%; 1 homozygote.

Submissions (2):

Blueprint Genetics
Classification: Likely benign. Last evaluated: 2024-08-23. Review status: criteria provided, single submitter. Criteria: ACMG Guidelines, 2015. Collection method: clinical testing. Allele origin: germline.

PreventionGenetics, part of Exact Sciences
Classification: Likely benign for FLG-related condition. Last evaluated: 2021-05-11. Review status: no assertion criteria provided. Collection method: clinical testing. Allele origin: germline. Not counted in ClinVar's aggregate classification.
Comment: This variant is classified as likely benign based on ACMG/AMP sequence variant interpretation guidelines (Richards et al. 2015 PMID: 25741868, with internal and published modifications).

NM_002016.2(FLG):c.387A>G (p.Glu129=)

Genes: CCDST (cervical cancer associated DHX9 suppressive transcript; plus strand), FLG (filaggrin; minus strand). Cytogenetic location: 1q21.3.
Variant type: single nucleotide variant.
Coding change: c.387A>G on transcript NM_002016.2 (MANE Select); coding-DNA position 387, A replaced by G.
Protein change: p.Glu129=; no amino-acid change (glutamic acid 129 retained).
Molecular consequence: synonymous variant.
Genome position (GRCh38, 1-based): chr1:152,314,499, T>C on the plus strand (A>G on the coding strand, the complement: FLG is on the minus strand). VCF-style: chr1-152314499-T-C. GRCh37 (hg19) VCF-style: chr1-152286975-T-C.
Identifiers: ClinVar variation 3054254 (VCV003054254.3), dbSNP rs116393414, ClinGen allele CA1108022.
Genomic context (GRCh38, chr1:152,314,499, plus strand): 5'-CCCCCCTGTTTCTCTTGGGCTCTTGGATCTTCCCTTATTCCCTTTTCTATTGTTTCTTCT[T>C]TCCAGACTTGAGGGTCTTTTTCTGTTTTCTTTGTTTTCTTCCTGTTTATTATCTTCATGT-3'
Protein context (NP_002007.1, residues 119-139): KENRKRPSSL[Glu129=]RRNNRKGNKG